The following is an entry in ClinVar:

ClinVar aggregate classification (germline): Conflicting classifications of pathogenicity. Review status: criteria provided, conflicting classifications (1 of 4 stars). 6 submissions from 6 submitters: Uncertain significance (3); Likely benign (3). Last evaluated 2026-05-18.

Conditions:
Familial thoracic aortic aneurysm and aortic dissection (TAAD). Also called: Thoracic aortic aneurysms and dissections. Identifiers: Orphanet 91387, MedGen C4707243, MONDO:0019625.
Marfan syndrome (MFS). Also called: Marfan syndrome, classic; Marfan syndrome type 1; Marfan's syndrome; FBN1-Related Marfan Syndrome; MARFAN SYNDROME, TYPE I. Identifiers: Orphanet 284963, Orphanet 558, MedGen C0024796, MONDO:0007947, OMIM 154700.

Allele frequency attached by ClinVar (database versions not stated): gnomAD 0.00001; ExAC 0.00002; ESP Exome Variant Server 0.00008; gnomAD exomes 0.00001 and 0.00002; TOPMed 0.00001.
gnomAD v4.1: 18 of 1,613,640 alleles (0.0011%); highest among the groups gnomAD compares: Non-Finnish European, 0.0015%; no homozygotes.

Submissions (6):

Ambry Genetics
Classification: Uncertain significance for Familial thoracic aortic aneurysm and aortic dissection. Last evaluated: 2026-05-18. Review status: criteria provided, single submitter. Criteria: Ambry Variant Classification Scheme 2023. Collection method: clinical testing. Allele origin: germline.
Comment: The c.4943-3T>C intronic variant results from a T to C substitution 3 nucleotides upstream from coding exon 40 in the FBN1 gene. This nucleotide position is not well conserved in available vertebrate species. In silico splice site analysis predicts that this alteration will not have any significant effect on splicing. Based on the available evidence, the clinical significance of this variant remains unclear.

Labcorp Genetics (formerly Invitae), Labcorp
Classification: Uncertain significance for Marfan syndrome; Familial thoracic aortic aneurysm and aortic dissection. Last evaluated: 2026-01-06. Review status: criteria provided, single submitter. Criteria: Invitae Variant Classification Sherloc (09022015). Collection method: clinical testing. Allele origin: germline.
Comment: This sequence change falls in intron 40 of the FBN1 gene. It does not directly change the encoded amino acid sequence of the FBN1 protein. It affects a nucleotide within the consensus splice site. This variant is present in population databases (rs367594261, gnomAD 0.004%). This variant has been observed in individual(s) with clinical features of Marfan syndrome (internal data). ClinVar contains an entry for this variant (Variation ID: 924842). Variants that disrupt the consensus splice site are a relatively common cause of aberrant splicing (PMID: 17576681, 9536098). Algorithms developed to predict the effect of sequence changes on RNA splicing suggest that this variant is not likely to affect RNA splicing. In summary, the available evidence is currently insufficient to determine the role of this variant in disease. Therefore, it has been classified as a Variant of Uncertain Significance.

All of Us Research Program, National Institutes of Health
Classification: Likely benign for Marfan syndrome. Last evaluated: 2023-12-13. Review status: criteria provided, single submitter. Criteria: ACMG Guidelines, 2015. Collection method: clinical testing. Allele origin: germline. Inheritance: Autosomal dominant inheritance. Observed: 9 variant alleles, 9 heterozygotes.
Comment: This study involves interpretation of variants in research participants for the purpose of population health screening. Participant phenotype was not available at the time of variant classification. Additional details can be found in publication PMID: 35346344, PMCID: PMC8962531

Blueprint Genetics
Classification: Likely benign. Last evaluated: 2021-02-03. Review status: criteria provided, single submitter. Criteria: ACMG Guidelines, 2015. Collection method: clinical testing. Allele origin: germline.

Women's Health and Genetics/Laboratory Corporation of America, LabCorp
Classification: Uncertain significance. Last evaluated: 2020-06-22. Review status: criteria provided, single submitter. Criteria: LabCorp Variant Classification Summary - May 2015. Collection method: clinical testing. Allele origin: germline.
Comment: Variant summary: FBN1 c.4943-3T>C alters a non-conserved nucleotide located close to a canonical splice site and therefore could affect mRNA splicing, leading to a significantly altered protein sequence. 4/4 computational tools predict no significant impact on normal splicing. However, these predictions have yet to be confirmed by functional studies. The variant allele was found at a frequency of 2e-05 in 250934 control chromosomes (gnomAD). The available data on variant occurrences in the general population are insufficient to allow any conclusion about variant significance. To our knowledge, no occurrence of c.4943-3T>C in individuals affected with Marfan Syndrome and no experimental evidence demonstrating its impact on protein function have been reported. No clinical diagnostic laboratories have submitted clinical-significance assessments for this variant to ClinVar after 2014. Based on the evidence outlined above, the variant was classified as uncertain significance.

Color Diagnostics, LLC DBA Color Health
Classification: Likely benign for Familial thoracic aortic aneurysm and aortic dissection. Last evaluated: 2019-12-29. Review status: criteria provided, single submitter. Criteria: ACMG Guidelines, 2015. Collection method: clinical testing. Allele origin: germline.

Literature cited by the submitters: PubMed 17576681 (cited by Labcorp Genetics (formerly Invitae), Labcorp); PubMed 9536098 (cited by Labcorp Genetics (formerly Invitae), Labcorp).

NM_000138.5(FBN1):c.4943-3T>C

Gene: FBN1 (fibrillin 1; minus strand). Cytogenetic location: 15q21.1.
Variant type: single nucleotide variant.
Coding change: c.4943-3T>C on transcript NM_000138.5 (MANE Select); 3 bases into the intron before coding-DNA position 4943, T replaced by C.
Molecular consequence: intron variant.
Genome position (GRCh38, 1-based): chr15:48,464,024, A>G on the plus strand (T>C on the coding strand, the complement: FBN1 is on the minus strand). VCF-style: chr15-48464024-A-G. GRCh37 (hg19) VCF-style: chr15-48756221-A-G.
Identifiers: ClinVar variation 924842 (VCV000924842.11), dbSNP rs367594261, ClinGen allele CA054065.